The following is an entry in ClinVar:

ClinVar aggregate classification (germline): Pathogenic (0 of 4 stars; one submission).

Conditions:
Fanconi anemia complementation group G. Also called: FANCG-Related Fanconi Anemia; Fanconi anemia group G. Identifiers: Orphanet 84, MedGen C3469527, MONDO:0013565, OMIM 614082.

Allele frequency attached by ClinVar (database versions not stated): gnomAD exomes 0.00001; TOPMed 0.00001.
gnomAD v4.1: 8 of 1,613,874 alleles (0.0005%); highest among the groups gnomAD compares: Non-Finnish European, 0.00068%; no homozygotes.

Submission:

Leiden Open Variation Database
Classification: Pathogenic for Fanconi anemia complementation group G. Last evaluated: 2011-02-07. Review status: no assertion criteria provided. Collection method: curation. Allele origin: germline. Affected: yes.
Comment: Curator: Arleen D. Auerbach. Submitter to LOVD: Arleen D. Auerbach.

Literature cited by the submitters: PubMed 16643430.

NM_004629.2(FANCG):c.1763C>T (p.Ser588Phe)

Gene: FANCG (FA complementation group G; minus strand). Cytogenetic location: 9p13.3.
Variant type: single nucleotide variant.
Coding change: c.1763C>T on transcript NM_004629.2 (MANE Select); coding-DNA position 1763, C replaced by T.
Protein change: p.Ser588Phe; replaces serine 588 with phenylalanine.
Molecular consequence: missense variant.
Genome position (GRCh38, 1-based): chr9:35,074,214, G>A on the plus strand (C>T on the coding strand, the complement: FANCG is on the minus strand). VCF-style: chr9-35074214-G-A. GRCh37 (hg19) VCF-style: chr9-35074211-G-A.
Other names: short protein forms S588F.
Identifiers: ClinVar variation 929709 (VCV000929709.1), dbSNP rs1420316004, ClinGen allele CA373300092.